The following is an entry in ClinVar:

ClinVar aggregate classification (germline): Uncertain significance. Review status: criteria provided, multiple submitters, no conflicts (2 of 4 stars). 3 submissions from 3 submitters: Uncertain significance (3). Last evaluated 2025-10-13.

Conditions:
Familial thoracic aortic aneurysm and aortic dissection (TAAD). Also called: Thoracic aortic aneurysms and dissections. Identifiers: Orphanet 91387, MedGen C4707243, MONDO:0019625.
Aortic aneurysm, familial thoracic 8 (AAT8). Identifiers: MedGen C3809513, MONDO:0014187, OMIM 615436.

Allele frequency attached by ClinVar (database versions not stated): gnomAD exomes 0.00011; ESP Exome Variant Server 0.00015; ExAC 0.00004; gnomAD 0.00008.
gnomAD v4.1: 170 of 1,611,134 alleles (0.011%); highest among the groups gnomAD compares: Non-Finnish European, 0.014%; no homozygotes.

Submissions (3):

Labcorp Genetics (formerly Invitae), Labcorp
Classification: Uncertain significance for Aortic aneurysm, familial thoracic 8. Last evaluated: 2025-10-13. Review status: criteria provided, single submitter. Criteria: Invitae Variant Classification Sherloc (09022015). Collection method: clinical testing. Allele origin: germline.
Comment: This sequence change replaces alanine, which is neutral and non-polar, with valine, which is neutral and non-polar, at codon 356 of the PRKG1 protein (p.Ala356Val). This variant is present in population databases (rs144345072, gnomAD 0.008%). This variant has not been reported in the literature in individuals affected with PRKG1-related conditions. ClinVar contains an entry for this variant (Variation ID: 1782192). An algorithm developed to predict the effect of missense changes on protein structure and function (PolyPhen-2) suggests that this variant is likely to be tolerated. In summary, the available evidence is currently insufficient to determine the role of this variant in disease. Therefore, it has been classified as a Variant of Uncertain Significance.

GeneDx
Classification: Uncertain significance. Last evaluated: 2023-08-31. Review status: criteria provided, single submitter. Criteria: GeneDx Variant Classification Process June 2021. Collection method: clinical testing. Allele origin: germline.
Comment: Has not been previously published as pathogenic or benign to our knowledge; In silico analysis supports that this missense variant does not alter protein structure/function

Ambry Genetics
Classification: Uncertain significance for Familial thoracic aortic aneurysm and aortic dissection. Last evaluated: 2021-10-07. Review status: criteria provided, single submitter. Criteria: Ambry Variant Classification Scheme 2023. Collection method: clinical testing. Allele origin: germline.
Comment: The p.A356V variant (also known as c.1067C>T), located in coding exon 9 of the PRKG1 gene, results from a C to T substitution at nucleotide position 1067. The alanine at codon 356 is replaced by valine, an amino acid with similar properties. This amino acid position is conserved. In addition, this alteration is predicted to be tolerated by in silico analysis. Since supporting evidence is limited at this time, the clinical significance of this alteration remains unclear.

NM_006258.4(PRKG1):c.1067C>T (p.Ala356Val)

Gene: PRKG1 (protein kinase cGMP-dependent 1; plus strand). Cytogenetic location: 10q21.1.
Variant type: single nucleotide variant.
Coding change: c.1067C>T on transcript NM_006258.4 (MANE Select); coding-DNA position 1067, C replaced by T.
Protein change: p.Ala356Val; replaces alanine 356 with valine.
Molecular consequence: missense variant. On other transcripts: 5 prime UTR variant (1).
Genome position (GRCh38, 1-based): chr10:52,161,954, C>T. VCF-style: chr10-52161954-C-T. GRCh37 (hg19) VCF-style: chr10-53921714-C-T.
Other names: c.1022C>T, p.Ala341Val (NM_001098512.3); c.-143C>T (NM_001374781.1); short protein forms A341V, A356V.
Identifiers: ClinVar variation 1782192 (VCV001782192.9), dbSNP rs144345072, ClinGen allele CA5503736.